The following is an entry in ClinVar:

ClinVar aggregate classification (germline): Pathogenic (1 of 4 stars; one submission).

Submission:

Labcorp Genetics (formerly Invitae), Labcorp
Classification: Pathogenic. Last evaluated: 2025-03-17. Review status: criteria provided, single submitter. Criteria: Invitae Variant Classification Sherloc (09022015). Collection method: clinical testing. Allele origin: germline.
Comment: This sequence change creates a premature translational stop signal (p.Leu47Profs*24) in the SLC24A1 gene. It is expected to result in an absent or disrupted protein product. Loss-of-function variants in SLC24A1 are known to be pathogenic (PMID: 20850105, 26822852). This variant is not present in population databases (gnomAD no frequency). This variant has not been reported in the literature in individuals affected with SLC24A1-related conditions. ClinVar contains an entry for this variant (Variation ID: 1451529). For these reasons, this variant has been classified as Pathogenic.

Literature cited by the submitters: PubMed 20850105; PubMed 26822852.

NM_004727.3(SLC24A1):c.137dup (p.Leu47fs)

Gene: SLC24A1 (solute carrier family 24 member 1; plus strand). Cytogenetic location: 15q22.31.
Variant type: Duplication.
Coding change: c.137dup on transcript NM_004727.3 (MANE Select); coding-DNA position 137, one base duplicated (G; older notation c.137dupG).
Protein change: p.Leu47fs; shifts the reading frame from leucine 47.
Molecular consequence: frameshift variant.
Genome position (GRCh38, 1-based): chr15:65,624,217, G duplicated; the last of 4 consecutive G bases (chr15:65,624,214-65,624,217); duplicating any one gives the same sequence. VCF-style (leftmost placement, unchanged base first): chr15-65624213-C-CG. GRCh37 (hg19) VCF-style: chr15-65916551-C-CG.
Other names: c.137dup, p.Leu47fs (NM_001301031.1, NM_001301032.1, NM_001301033.2); short protein forms L47fs.
Identifiers: ClinVar variation 1451529 (VCV001451529.6), dbSNP rs774536190, ClinGen allele CA271587319.